The following is an entry in ClinVar:

ClinVar aggregate classification (germline): Uncertain significance (1 of 4 stars; one submission).

gnomAD v4.1: 1 of 1,204,145 alleles (0.000083%); no homozygotes.

Submission:

Labcorp Genetics (formerly Invitae), Labcorp
Classification: Uncertain significance. Last evaluated: 2024-04-29. Review status: criteria provided, single submitter. Criteria: Invitae Variant Classification Sherloc (09022015). Collection method: clinical testing. Allele origin: germline.
Comment: This sequence change falls in intron 13 of the DDX3X gene. It does not directly change the encoded amino acid sequence of the DDX3X protein. It affects a nucleotide within the consensus splice site. This variant is not present in population databases (gnomAD no frequency). This variant has not been reported in the literature in individuals affected with DDX3X-related conditions. Variants that disrupt the consensus splice site are a relatively common cause of aberrant splicing (PMID: 17576681, 9536098). Algorithms developed to predict the effect of sequence changes on RNA splicing suggest that this variant may disrupt the consensus splice site. In summary, the available evidence is currently insufficient to determine the role of this variant in disease. Therefore, it has been classified as a Variant of Uncertain Significance.

Literature cited by the submitters: PubMed 17576681; PubMed 9536098.

NM_001356.5(DDX3X):c.1497+3A>G

Gene: DDX3X (DEAD-box helicase 3 X-linked; plus strand). Cytogenetic location: Xp11.4.
Variant type: single nucleotide variant.
Coding change: c.1497+3A>G on transcript NM_001356.5 (MANE Select); 3 bases into the intron after coding-DNA position 1497, A replaced by G.
Molecular consequence: intron variant.
Genome position (GRCh38, 1-based): chrX:41,346,413, A>G. VCF-style: chrX-41346413-A-G. GRCh37 (hg19) VCF-style: chrX-41205666-A-G.
Other names: c.1497+3A>G (NM_001193416.3); c.1449+3A>G (NM_001193417.3); c.939+3A>G (NM_001363819.1).
Identifiers: ClinVar variation 3622808 (VCV003622808.2).